The following is an entry in ClinVar:

NM_016507.4(CDK12):c.3569C>G (p.Pro1190Arg)

Gene: CDK12 (cyclin dependent kinase 12; plus strand). Cytogenetic location: 17q12.
Variant type: single nucleotide variant.
Coding change: c.3569C>G on transcript NM_016507.4 (MANE Select); coding-DNA position 3569, C replaced by G.
Protein change: p.Pro1190Arg; replaces proline 1190 with arginine.
Molecular consequence: missense variant.
Genome position (GRCh38, 1-based): chr17:39,526,125, C>G. VCF-style: chr17-39526125-C-G. GRCh37 (hg19) VCF-style: chr17-37682378-C-G.
Other names: c.3569C>G, p.Pro1190Arg (NM_015083.4); c.3569C>G (NM_016507.2); short protein forms P1190R.
Identifiers: ClinVar variation 133858 (VCV000133858.2), dbSNP rs587778177, ClinGen allele CA157998.
Genomic context (GRCh38, chr17:39,526,125, plus strand): 5'-CAGAGACCATGGCCCCAGAGGAGTCTTTGAAGGAAGCACCCTCTGCCCCAGTGATCCTGC[C>G]TTCAGCAGAACAGACGACCCTTGAAGCTTCAAGCACACCAGCTGACATGCAGAATATATT-3'
Protein context (NP_057591.2, residues 1180-1200): KEAPSAPVIL[Pro1190Arg]SAEQTTLEAS

ClinVar aggregate classification (germline): Uncertain significance. Review status: criteria provided, single submitter (1 of 4 stars). 2 submissions from 2 submitters: Uncertain significance (1). 1 of the submissions does not count toward it. Last evaluated 2025-01-27.

Allele frequency attached by ClinVar (database versions not stated): gnomAD exomes below 0.00001.
gnomAD v4.1: 2 of 1,614,228 alleles (0.00012%); highest among the groups gnomAD compares: Non-Finnish European, 0.00017%; no homozygotes.

Submissions (2):

Ambry Genetics
Classification: Uncertain significance. Last evaluated: 2025-01-27. Review status: criteria provided, single submitter. Criteria: Ambry Variant Classification Scheme 2023. Collection method: clinical testing. Allele origin: germline.
Comment: The p.P1190R variant (also known as c.3569C>G), located in coding exon 13 of the CDK12 gene, results from a C to G substitution at nucleotide position 3569. The proline at codon 1190 is replaced by arginine, an amino acid with dissimilar properties. This amino acid position is conserved. In addition, this alteration is predicted to be tolerated by in silico analysis. Based on the available evidence, the clinical significance of this variant remains unclear.

ITMI
No classification provided. Condition: AllHighlyPenetrant. Last evaluated: 2013-09-19. Review status: no classification provided. Collection method: reference population. Allele origin: germline. Not counted in ClinVar's aggregate classification.
Comment: Please see associated publication for description of ethnicities

Literature cited by the submitters: PubMed 24728327 (cited by ITMI).